The following is an entry in ClinVar:

ClinVar aggregate classification (germline): Uncertain significance (1 of 4 stars; one submission).

Conditions:
Cortical dysplasia-focal epilepsy syndrome (PTHSL1). Also called: Pitt-Hopkins-like syndrome 1. Identifiers: Orphanet 163681, Orphanet 221150, MedGen C2750246, MONDO:0012400, OMIM 610042.

Submission:

Labcorp Genetics (formerly Invitae), Labcorp
Classification: Uncertain significance for Cortical dysplasia-focal epilepsy syndrome. Last evaluated: 2022-03-27. Review status: criteria provided, single submitter. Criteria: Invitae Variant Classification Sherloc (09022015). Collection method: clinical testing. Allele origin: germline.
Comment: In summary, the available evidence is currently insufficient to determine the role of this variant in disease. Therefore, it has been classified as a Variant of Uncertain Significance. Algorithms developed to predict the effect of missense changes on protein structure and function are either unavailable or do not agree on the potential impact of this missense change (SIFT: "Deleterious"; PolyPhen-2: "Probably Damaging"; Align-GVGD: "Class C0"). This variant has not been reported in the literature in individuals affected with CNTNAP2-related conditions. This variant is not present in population databases (gnomAD no frequency). This sequence change replaces histidine, which is basic and polar, with proline, which is neutral and non-polar, at codon 277 of the CNTNAP2 protein (p.His277Pro).

NM_014141.6(CNTNAP2):c.830A>C (p.His277Pro)

Gene: CNTNAP2 (contactin associated protein 2; plus strand). Cytogenetic location: 7q35.
Variant type: single nucleotide variant.
Coding change: c.830A>C on transcript NM_014141.6 (MANE Select); coding-DNA position 830, A replaced by C.
Protein change: p.His277Pro; replaces histidine 277 with proline.
Molecular consequence: missense variant.
Genome position (GRCh38, 1-based): chr7:147,121,054, A>C. VCF-style: chr7-147121054-A-C. GRCh37 (hg19) VCF-style: chr7-146818146-A-C.
Other names: short protein forms H277P.
Identifiers: ClinVar variation 2118157 (VCV002118157.4), dbSNP rs2485901531, ClinGen allele CA369923872.
Genomic context (GRCh38, chr7:147,121,054, plus strand): 5'-GCCCCATATATGGCCACACATCAGTGATGACAGGAAGTTTGCTGGATGACCACCACTGGC[A>C]CTCTGTGGTCATTGAGCGCCAGGGGCGGAGCATTAACCTCACTCTGGACAGGAGCATGCA-3'
Protein context (NP_054860.1, residues 267-287): TGSLLDDHHW[His277Pro]SVVIERQGRS